The following is an entry in ClinVar:

ClinVar aggregate classification (germline): Likely benign (0 of 4 stars; one submission).

Conditions:
XIRP1-related disorder. Also called: XIRP1-related condition.

Submission:

PreventionGenetics, part of Exact Sciences
Classification: Likely benign for XIRP1-related condition. Last evaluated: 2020-01-02. Review status: no assertion criteria provided. Collection method: clinical testing. Allele origin: germline.
Comment: This variant is classified as likely benign based on ACMG/AMP sequence variant interpretation guidelines (Richards et al. 2015 PMID: 25741868, with internal and published modifications).

NM_194293.4(XIRP1):c.84A>C (p.Pro28=)

Gene: XIRP1 (xin actin binding repeat containing 1; minus strand). Cytogenetic location: 3p22.2.
Variant type: single nucleotide variant.
Coding change: c.84A>C on transcript NM_194293.4 (MANE Select); coding-DNA position 84, A replaced by C.
Protein change: p.Pro28=; no amino-acid change (proline 28 retained).
Molecular consequence: synonymous variant. On other transcripts: intron variant (1).
Genome position (GRCh38, 1-based): chr3:39,189,362, T>G on the plus strand (A>C on the coding strand, the complement: XIRP1 is on the minus strand). VCF-style: chr3-39189362-T-G. GRCh37 (hg19) VCF-style: chr3-39230853-T-G.
Other names: c.84A>C, p.Pro28= (NM_001198621.4); c.-168+3084A>C (NM_001351377.2).
Identifiers: ClinVar variation 3044241 (VCV003044241.2), dbSNP rs1213952910, ClinGen allele CA433341649.